The following is an entry in ClinVar:

NM_001171109.2(FAM133A):c.307C>T (p.Arg103Trp)

Gene: FAM133A (family with sequence similarity 133 member A; plus strand). Cytogenetic location: Xq21.32.
Variant type: single nucleotide variant.
Coding change: c.307C>T on transcript NM_001171109.2 (MANE Select); coding-DNA position 307, C replaced by T.
Protein change: p.Arg103Trp; replaces arginine 103 with tryptophan.
Molecular consequence: missense variant.
Genome position (GRCh38, 1-based): chrX:93,709,726, C>T. VCF-style: chrX-93709726-C-T. GRCh37 (hg19) VCF-style: chrX-92964725-C-T.
Other names: c.307C>T, p.Arg103Trp (NM_001171110.2, NM_001171111.2, NM_173698.3); short protein forms R103W.
Identifiers: ClinVar variation 2661018 (VCV002661018.24), dbSNP rs374525042, ClinGen allele CA10467708.

ClinVar aggregate classification (germline): Likely benign (1 of 4 stars; one submission).

Allele frequency attached by ClinVar (database versions not stated): gnomAD exomes 0.00001; gnomAD 0.00010; ExAC 0.00013; ESP Exome Variant Server 0.00019; 1000 Genomes Project 30x 0.00021; 1000 Genomes Project 0.00026.
gnomAD v4.1: 32 of 1,193,369 alleles (0.0027%); highest among the groups gnomAD compares: African/African-American, 0.039%; no homozygotes.

Submission:

CeGaT Center for Human Genetics Tuebingen
Classification: Likely benign. Last evaluated: 2022-12-01. Review status: criteria provided, single submitter. Criteria: CeGaT Center For Human Genetics Tuebingen Variant Classification Criteria Version 2. Collection method: clinical testing. Allele origin: germline. Affected: yes. Observed: 1 variant allele.
Comment: FAM133A: BP4, BS2